The following is an entry in ClinVar:

NM_001004334.4(GPR179):c.5236dup (p.Thr1746fs)

Gene: GPR179 (G protein-coupled receptor 179; minus strand). Cytogenetic location: 17q12.
Variant type: Duplication.
Coding change: c.5236dup on transcript NM_001004334.4 (MANE Select); coding-DNA position 5236, one base duplicated (A; older notation c.5236dupA).
Protein change: p.Thr1746fs; shifts the reading frame from threonine 1746.
Molecular consequence: frameshift variant.
Genome position (GRCh38, 1-based): chr17:38,328,333, T duplicated on the plus strand (A on the coding strand, the reverse complement: GPR179 is on the minus strand). VCF-style (leftmost placement, unchanged base first): chr17-38328332-G-GT. GRCh37 (hg19) VCF-style: chr17-36484215-G-GT.
Other names: short protein forms T1746fs.
Identifiers: ClinVar variation 1512127 (VCV001512127.6), dbSNP rs2144257194, ClinGen allele CA2573153914.

ClinVar aggregate classification (germline): Uncertain significance (1 of 4 stars; one submission).

Allele frequency attached by ClinVar (database versions not stated): gnomAD exomes below 0.00001.

Submission:

Labcorp Genetics (formerly Invitae), Labcorp
Classification: Uncertain significance. Last evaluated: 2024-04-22. Review status: criteria provided, single submitter. Criteria: Invitae Variant Classification Sherloc (09022015). Collection method: clinical testing. Allele origin: germline.
Comment: This sequence change creates a premature translational stop signal (p.Thr1746Asnfs*37) in the GPR179 gene. While this is not anticipated to result in nonsense mediated decay, it is expected to disrupt the last 622 amino acid(s) of the GPR179 protein. This variant is not present in population databases (gnomAD no frequency). This variant has not been reported in the literature in individuals affected with GPR179-related conditions. ClinVar contains an entry for this variant (Variation ID: 1512127). Experimental studies and prediction algorithms are not available or were not evaluated, and the functional significance of this variant is currently unknown. In summary, the available evidence is currently insufficient to determine the role of this variant in disease. Therefore, it has been classified as a Variant of Uncertain Significance.